The following is an entry in ClinVar:

NM_080424.4(SP110):c.1448-2A>G

Gene: SP110 (SP110 nuclear body protein; minus strand). Cytogenetic location: 2q37.1.
Variant type: single nucleotide variant.
Coding change: c.1448-2A>G on transcript NM_080424.4 (MANE Select); the canonical splice acceptor site of the intron before coding-DNA position 1448, A replaced by G.
Molecular consequence: splice acceptor variant.
Genome position (GRCh38, 1-based): chr2:230,177,682, T>C on the plus strand (A>G on the coding strand, the complement: SP110 is on the minus strand). VCF-style: chr2-230177682-T-C. GRCh37 (hg19) VCF-style: chr2-231042398-T-C.
Other names: c.1466-2A>G (NM_001378446.1, NM_001378445.1, NM_001378442.1 and 2 more transcripts); c.1448-2A>G (NM_004509.5, NM_001378443.1, NM_004510.4); c.1298-2A>G (NM_001378447.1).
Identifiers: ClinVar variation 4766242 (VCV004766242.1).
Genomic context (GRCh38, chr2:230,177,682, plus strand): 5'-AAATTCATTTGGTGTTAACCAAGTTCCATCCTCATTCCGAATGCACTTCACTGAGGATCC[T>C]GTAAGAAAAAGCCCATTCTTGGATCTACCCCCATCCTCTGTGAATTCACCCTGAACCTCT-3'

ClinVar aggregate classification (germline): Likely pathogenic (1 of 4 stars; one submission).

Conditions:
Hepatic veno-occlusive disease-immunodeficiency syndrome. Also called: Hepatic Veno-Occlusive Disease with Immunodeficiency. Identifiers: Orphanet 79124, MedGen C1856128, MONDO:0009338, OMIM 235550. Disease mechanism: loss of function.

Submission:

Labcorp Genetics (formerly Invitae), Labcorp
Classification: Likely pathogenic for Hepatic veno-occlusive disease-immunodeficiency syndrome. Last evaluated: 2025-12-11. Review status: criteria provided, single submitter. Criteria: Invitae Variant Classification Sherloc (09022015). Collection method: clinical testing. Allele origin: germline.
Comment: This sequence change affects an acceptor splice site in intron 13 of the SP110 gene. It is expected to disrupt RNA splicing. Variants that disrupt the donor or acceptor splice site typically lead to a loss of protein function (PMID: 16199547), and loss-of-function variants in SP110 are known to be pathogenic (PMID: 16648851, 22621957). This variant is not present in population databases (gnomAD no frequency). This variant has not been reported in the literature in individuals affected with SP110-related conditions. Algorithms developed to predict the effect of sequence changes on RNA splicing suggest that this variant may disrupt the consensus splice site. In summary, the currently available evidence indicates that the variant is pathogenic, but additional data are needed to prove that conclusively. Therefore, this variant has been classified as Likely Pathogenic.

Literature cited by the submitters: PubMed 16199547; PubMed 16648851; PubMed 22621957.